The following is an entry in ClinVar:

NM_006245.4(PPP2R5D):c.1437G>A (p.Lys479=)

Gene: PPP2R5D (protein phosphatase 2 regulatory subunit B'delta; plus strand). Cytogenetic location: 6p21.1.
Variant type: single nucleotide variant.
Coding change: c.1437G>A on transcript NM_006245.4 (MANE Select); coding-DNA position 1437, G replaced by A.
Protein change: p.Lys479=; no amino-acid change (lysine 479 retained).
Molecular consequence: synonymous variant.
Genome position (GRCh38, 1-based): chr6:43,010,525, G>A. VCF-style: chr6-43010525-G-A. GRCh37 (hg19) VCF-style: chr6-42978263-G-A.
Other names: c.984G>A, p.Lys328= (NM_001270476.2); c.1341G>A, p.Lys447= (NM_180976.3); c.1119G>A, p.Lys373= (NM_180977.3).
Identifiers: ClinVar variation 745088 (VCV000745088.13), dbSNP rs145947967, ClinGen allele CA3812061.

ClinVar aggregate classification (germline): Likely benign. Review status: criteria provided, multiple submitters, no conflicts (2 of 4 stars). 3 submissions from 3 submitters: Likely benign (2). 1 of the submissions does not count toward it. Last evaluated 2026-02-02.

Conditions:
PPP2R5D-related disorder. Also called: PPP2R5D-related condition.

Allele frequency attached by ClinVar (database versions not stated): ExAC 0.00009; gnomAD exomes 0.00012 and 0.00043; TOPMed 0.00012; gnomAD 0.00013 and 0.00015; 1000 Genomes Project 30x 0.00016; 1000 Genomes Project 0.00020; ESP Exome Variant Server 0.00038.
gnomAD v4.1: 660 of 1,614,112 alleles (0.041%); highest among the groups gnomAD compares: Non-Finnish European, 0.053%; 1 homozygote.

Submissions (3):

Labcorp Genetics (formerly Invitae), Labcorp
Classification: Likely benign. Last evaluated: 2026-02-02. Review status: criteria provided, single submitter. Criteria: Invitae Variant Classification Sherloc (09022015). Collection method: clinical testing. Allele origin: germline.

Breakthrough Genomics
Classification: Likely benign. Review status: criteria provided, single submitter. Criteria: ACMG Guidelines, 2015. Collection method: not provided. Allele origin: germline. Inheritance: Autosomal dominant inheritance. Affected: yes.

PreventionGenetics, part of Exact Sciences
Classification: Likely benign for PPP2R5D-related condition. Last evaluated: 2019-07-23. Review status: no assertion criteria provided. Collection method: clinical testing. Allele origin: germline. Not counted in ClinVar's aggregate classification.
Comment: This variant is classified as likely benign based on ACMG/AMP sequence variant interpretation guidelines (Richards et al. 2015 PMID: 25741868, with internal and published modifications).